The following is an entry in ClinVar:

NM_006031.6(PCNT):c.1952A>G (p.His651Arg)

Gene: PCNT (pericentrin; plus strand). Cytogenetic location: 21q22.3.
Variant type: single nucleotide variant.
Coding change: c.1952A>G on transcript NM_006031.6 (MANE Select); coding-DNA position 1952, A replaced by G.
Protein change: p.His651Arg; replaces histidine 651 with arginine.
Molecular consequence: missense variant.
Genome position (GRCh38, 1-based): chr21:46,356,989, A>G. VCF-style: chr21-46356989-A-G. GRCh37 (hg19) VCF-style: chr21-47776904-A-G.
Other names: c.1598A>G, p.His533Arg (NM_001315529.2); short protein forms H533R, H651R.
Identifiers: ClinVar variation 3929690 (VCV003929690.2).

ClinVar aggregate classification (germline): Uncertain significance. Review status: criteria provided, multiple submitters, no conflicts (2 of 4 stars). 2 submissions from 2 submitters: Uncertain significance (2). Last evaluated 2025-04-11.

Conditions:
Inborn genetic diseases. Identifiers: MedGen C0950123, MeSH D030342.
PCNT-related disorder. Also called: PCNT-related condition.

Submissions (2):

Ambry Genetics
Classification: Uncertain significance for Inborn genetic diseases. Last evaluated: 2025-04-11. Review status: criteria provided, single submitter. Criteria: Ambry Variant Classification Scheme 2023. Collection method: clinical testing. Allele origin: germline.

PreventionGenetics, part of Exact Sciences
Classification: Uncertain significance for PCNT-related condition. Last evaluated: 2024-10-08. Review status: criteria provided, single submitter. Criteria: ACMG Guidelines, 2015. Collection method: clinical testing. Allele origin: germline.
Comment: The PCNT c.1952A>G variant is predicted to result in the amino acid substitution p.His651Arg. To our knowledge, this variant has not been reported in the literature. This variant is reported in 0.0029% of alleles in individuals of Latino descent in gnomAD. At this time, the clinical significance of this variant is uncertain due to the absence of conclusive functional and genetic evidence.